The following is an entry in ClinVar:

ClinVar aggregate classification (germline): Uncertain significance (1 of 4 stars; one submission).

Conditions:
HNSHA due to aldolase A deficiency (GSD12). Also called: GLYCOGEN STORAGE DISEASE XII; GSD XII; RED CELL ALDOLASE DEFICIENCY; Glycogen storage disease due to aldolase A deficiency. Identifiers: Orphanet 57, MedGen C0272066, MONDO:0012747, OMIM 611881.

Allele frequency attached by ClinVar (database versions not stated): TOPMed below 0.00001; ExAC 0.00003.
gnomAD v4.1: 16 of 1,614,138 alleles (0.00099%); highest among the groups gnomAD compares: Admixed American, 0.027%; no homozygotes.

Submission:

Labcorp Genetics (formerly Invitae), Labcorp
Classification: Uncertain significance for HNSHA due to aldolase A deficiency. Last evaluated: 2022-09-12. Review status: criteria provided, single submitter. Criteria: Invitae Variant Classification Sherloc (09022015). Collection method: clinical testing. Allele origin: germline.
Comment: This sequence change replaces alanine, which is neutral and non-polar, with valine, which is neutral and non-polar, at codon 363 of the ALDOA protein (p.Ala363Val). This variant is present in population databases (rs778342113, gnomAD 0.04%). This variant has not been reported in the literature in individuals affected with ALDOA-related conditions. Algorithms developed to predict the effect of missense changes on protein structure and function are either unavailable or do not agree on the potential impact of this missense change (SIFT: "Deleterious"; PolyPhen-2: "Benign"; Align-GVGD: "Class C0"). In summary, the available evidence is currently insufficient to determine the role of this variant in disease. Therefore, it has been classified as a Variant of Uncertain Significance.

NM_001243177.4(ALDOA):c.1250C>T (p.Ala417Val)

Genes: ALDOA (aldolase, fructose-bisphosphate A; plus strand), LOC112694756 (uncharaterized LOC112694756; plus strand). Cytogenetic location: 16p11.2.
Variant type: single nucleotide variant.
Coding change: c.1250C>T on transcript NM_001243177.4 (MANE Select); coding-DNA position 1250, C replaced by T.
Protein change: p.Ala417Val; replaces alanine 417 with valine.
Molecular consequence: missense variant. On other transcripts: 3 prime UTR variant (3).
Genome position (GRCh38, 1-based): chr16:30,070,205, C>T. VCF-style: chr16-30070205-C-T. GRCh37 (hg19) VCF-style: chr16-30081526-C-T.
Other names: c.*1597C>T (NM_001365304.2, NM_001365305.2, NM_001365307.2); c.1088C>T, p.Ala363Val (NM_001127617.2, NM_184041.5, NM_184043.2); short protein forms A363V, A417V.
Identifiers: ClinVar variation 2076266 (VCV002076266.1), dbSNP rs778342113, ClinGen allele CA8001262.